The following is an entry in ClinVar:

ClinVar aggregate classification (germline): Likely pathogenic (1 of 4 stars; one submission).

Conditions:
Seckel syndrome 11. Identifiers: MedGen C5935595, MONDO:0958328, OMIM 620767.

gnomAD v4.1: 1 of 1,551,742 alleles (0.000064%); no homozygotes.

Submission:

Dasa
Classification: Likely pathogenic for Seckel syndrome 11. Last evaluated: 2025-10-30. Review status: criteria provided, single submitter. Criteria: DASA Assertion Criteria. Collection method: clinical testing. Allele origin: germline.
Comment: NM_033395.2(CEP295):c.2290G>T (p.Glu764*) is a nonsense variant in CEP295 predicted to introduce a premature termination codon and is predicted to result in an absent or altered protein product. Loss of function is an established disease mechanism for CEP295-associated disorders. Also, this variant is rare in population databases. Based on the currently available evidence, this variant is classified as likely pathogenic.

NM_033395.2(CEP295):c.2290G>T (p.Glu764Ter)

Gene: CEP295 (centrosomal protein 295; plus strand). Cytogenetic location: 11q21.
Variant type: single nucleotide variant.
Coding change: c.2290G>T on transcript NM_033395.2 (MANE Select); coding-DNA position 2290, G replaced by T.
Protein change: p.Glu764Ter; replaces glutamic acid 764 with a stop codon.
Molecular consequence: nonsense.
Genome position (GRCh38, 1-based): chr11:93,697,202, G>T. VCF-style: chr11-93697202-G-T. GRCh37 (hg19) VCF-style: chr11-93430368-G-T.
Other names: short protein forms E764*.
Identifiers: ClinVar variation 4883086 (VCV004883086.2).